The following is an entry in ClinVar:

NM_000179.3(MSH6):c.744_747del (p.Arg249fs)

Gene: MSH6 (mutS homolog 6; plus strand). Cytogenetic location: 2p16.3.
Variant type: Deletion.
Coding change: c.744_747del on transcript NM_000179.3 (MANE Select); coding-DNA positions 744 to 747, 4 bases deleted (AAGG; older notation c.744_747delAAGG).
Protein change: p.Arg249fs; shifts the reading frame from arginine 249.
Molecular consequence: frameshift variant. On other transcripts: non-coding transcript variant (4), intron variant (1), 5 prime UTR variant (9).
Genome position (GRCh38, 1-based): chr2:47,798,727-47,798,730, AAGG deleted; deleting any 4 consecutive bases within chr2:47,798,726-47,798,730 gives the same sequence; the c. name uses the placement nearest the transcript's 3' end. VCF-style (leftmost placement, unchanged base first): chr2-47798725-CGAAG-C. GRCh37 (hg19) VCF-style: chr2-48025864-CGAAG-C.
Other names: c.628-1939_628-1936del (NM_001407362.1); c.354_357del, p.Arg119fs (NM_001281492.2); c.-163_-160del (NM_001281493.2, NM_001281494.2, NM_001406811.1 and 6 more transcripts); c.840_843del, p.Arg281fs (NM_001406795.1, NM_001406802.1); c.744_747del, p.Arg249fs (NM_001406796.1, NM_001406798.1, NM_001406800.1 and 4 more transcripts); c.447_450del, p.Arg150fs (NM_001406797.1, NM_001406801.1, NM_001406805.1 and 10 more transcripts); c.219_222del, p.Arg74fs (NM_001406799.1, NM_001406806.1, NM_001406807.1); c.666_669del, p.Arg223fs (NM_001406804.1); and 2 more; short protein forms R223fs, R251fs, R281fs, R74fs, R193fs, R119fs, R150fs, R249fs.
Identifiers: ClinVar variation 2453165 (VCV002453165.2), dbSNP rs2530569236, ClinGen allele CA2580067229.

ClinVar aggregate classification (germline): Pathogenic (1 of 4 stars; one submission).

Conditions:
Hereditary cancer-predisposing syndrome. Also called: Neoplastic Syndromes, Hereditary; Tumor predisposition; Hereditary neoplastic syndrome; Hereditary Cancer Syndrome. Identifiers: Orphanet 140162, MedGen C0027672, MeSH D009386, MONDO:0015356.

Submission:

Ambry Genetics
Classification: Pathogenic for Hereditary cancer-predisposing syndrome. Last evaluated: 2022-12-06. Review status: criteria provided, single submitter. Criteria: Ambry Variant Classification Scheme 2023. Collection method: clinical testing. Allele origin: germline.
Comment: The c.744_747delAAGG pathogenic mutation, located in coding exon 4 of the MSH6 gene, results from a deletion of 4 nucleotides at nucleotide positions 744 to 747, causing a translational frameshift with a predicted alternate stop codon (p.R249Sfs*29). This variant is considered to be rare based on population cohorts in the Genome Aggregation Database (gnomAD). This alteration is expected to result in loss of function by premature protein truncation or nonsense-mediated mRNA decay. As such, this alteration is interpreted as a disease-causing mutation.